The following is an entry in ClinVar:

ClinVar aggregate classification (germline): Uncertain significance (1 of 4 stars; one submission).

Conditions:
Cardiovascular phenotype. Identifiers: MedGen CN230736.

Allele frequency attached by ClinVar (database versions not stated): gnomAD exomes below 0.00001; gnomAD 0.00001; TOPMed 0.00001.
gnomAD v4.1: 8 of 1,613,970 alleles (0.0005%); highest among the groups gnomAD compares: Non-Finnish European, 0.00068%; no homozygotes.

Submission:

Ambry Genetics
Classification: Uncertain significance for Cardiovascular phenotype. Last evaluated: 2021-10-11. Review status: criteria provided, single submitter. Criteria: Ambry Variant Classification Scheme 2023. Collection method: clinical testing. Allele origin: germline.
Comment: The p.I2631M variant (also known as c.7893A>G), located in coding exon 26 of the APOB gene, results from an A to G substitution at nucleotide position 7893. The isoleucine at codon 2631 is replaced by methionine, an amino acid with highly similar properties. This amino acid position is conserved. In addition, this alteration is predicted to be tolerated by in silico analysis. Since supporting evidence is limited at this time, the clinical significance of this alteration remains unclear.

NM_000384.3(APOB):c.7893A>G (p.Ile2631Met)

Gene: APOB (apolipoprotein B; minus strand). Cytogenetic location: 2p24.1.
Variant type: single nucleotide variant.
Coding change: c.7893A>G on transcript NM_000384.3 (MANE Select); coding-DNA position 7893, A replaced by G.
Protein change: p.Ile2631Met; replaces isoleucine 2631 with methionine.
Molecular consequence: missense variant.
Genome position (GRCh38, 1-based): chr2:21,008,975, T>C on the plus strand (A>G on the coding strand, the complement: APOB is on the minus strand). VCF-style: chr2-21008975-T-C. GRCh37 (hg19) VCF-style: chr2-21231847-T-C.
Other names: short protein forms I2631M.
Identifiers: ClinVar variation 918799 (VCV000918799.4), dbSNP rs1159771283, ClinGen allele CA345995890.